The following is an entry in ClinVar:

NM_001379500.1(COL18A1):c.1005+3A>G

Gene: COL18A1 (collagen type XVIII alpha 1 chain; plus strand). Cytogenetic location: 21q22.3.
Variant type: single nucleotide variant.
Coding change: c.1005+3A>G on transcript NM_001379500.1 (MANE Select); 3 bases into the intron after coding-DNA position 1005, A replaced by G.
Molecular consequence: intron variant.
Genome position (GRCh38, 1-based): chr21:45,477,490, A>G. VCF-style: chr21-45477490-A-G. GRCh37 (hg19) VCF-style: chr21-46897404-A-G.
Other names: c.2250+3A>G (NM_130444.3); c.1545+3A>G (NM_030582.4).
Identifiers: ClinVar variation 1502370 (VCV001502370.4), dbSNP rs1188707546, ClinGen allele CA638166510.

ClinVar aggregate classification (germline): Uncertain significance (1 of 4 stars; one submission).

Allele frequency attached by ClinVar (database versions not stated): gnomAD exomes below 0.00001 and 0.00001; TOPMed below 0.00001.
gnomAD v4.1: 4 of 1,606,390 alleles (0.00025%); highest among the groups gnomAD compares: Admixed American, 0.0051%; no homozygotes.

Submission:

Labcorp Genetics (formerly Invitae), Labcorp
Classification: Uncertain significance. Last evaluated: 2021-11-09. Review status: criteria provided, single submitter. Criteria: Invitae Variant Classification Sherloc (09022015). Collection method: clinical testing. Allele origin: germline.
Comment: In summary, the available evidence is currently insufficient to determine the role of this variant in disease. Therefore, it has been classified as a Variant of Uncertain Significance. Variants that disrupt the consensus splice site are a relatively common cause of aberrant splicing (PMID: 17576681, 9536098). Experimental studies and prediction algorithms are not available or were not evaluated, and the effect of this variant on mRNA splicing is currently unknown. This variant has not been reported in the literature in individuals affected with COL18A1-related conditions. The frequency data for this variant in the population databases is considered unreliable, as metrics indicate poor data quality at this position in the gnomAD database. This sequence change falls in intron 7 of the COL18A1 gene. It does not directly change the encoded amino acid sequence of the COL18A1 protein. It affects a nucleotide within the consensus splice site.

Literature cited by the submitters: PubMed 17576681; PubMed 9536098.